The following is an entry in ClinVar:

NM_000138.5(FBN1):c.6549T>G (p.Asn2183Lys)

Gene: FBN1 (fibrillin 1; minus strand). Cytogenetic location: 15q21.1.
Variant type: single nucleotide variant.
Coding change: c.6549T>G on transcript NM_000138.5 (MANE Select); coding-DNA position 6549, T replaced by G.
Protein change: p.Asn2183Lys; replaces asparagine 2183 with lysine.
Molecular consequence: missense variant.
Genome position (GRCh38, 1-based): chr15:48,434,661, A>C on the plus strand (T>G on the coding strand, the complement: FBN1 is on the minus strand). VCF-style: chr15-48434661-A-C. GRCh37 (hg19) VCF-style: chr15-48726858-A-C.
Other names: c.6549T>G, p.Asn2183Lys (NM_001406716.1); short protein forms N2183K.
Identifiers: ClinVar variation 1325443 (VCV001325443.2), dbSNP rs752192006, ClinGen allele CA392335005.

ClinVar aggregate classification (germline): Likely pathogenic (1 of 4 stars; one submission).

Conditions:
Marfan syndrome (MFS). Also called: Marfan syndrome type 1; Marfan's syndrome; FBN1-Related Marfan Syndrome; MARFAN SYNDROME, TYPE I; Marfan syndrome, classic. Identifiers: Orphanet 284963, Orphanet 558, MedGen C0024796, MONDO:0007947, OMIM 154700.

Submission:

Centre of Medical Genetics, University of Antwerp
Classification: Likely pathogenic for Marfan syndrome. Last evaluated: 2021-03-01. Review status: criteria provided, single submitter. Criteria: Submitter's publication. Collection method: research. Allele origin: unknown. Affected: yes.
Comment: PM2, PS6, PP4